The following is an entry in ClinVar:

ClinVar aggregate classification (germline): Uncertain significance (1 of 4 stars; one submission).

Conditions:
Hereditary cancer-predisposing syndrome. Also called: Hereditary Cancer Syndrome; Neoplastic Syndromes, Hereditary; Tumor predisposition; Hereditary neoplastic syndrome. Identifiers: Orphanet 140162, MedGen C0027672, MeSH D009386, MONDO:0015356.

Submission:

Ambry Genetics
Classification: Uncertain significance for Hereditary cancer-predisposing syndrome. Last evaluated: 2016-05-03. Review status: criteria provided, single submitter. Criteria: Ambry Variant Classification Scheme 2023. Collection method: clinical testing. Allele origin: germline.
Comment: The p.S543C variant (also known as c.1628C>G), located in coding exon 11 of the CDH1 gene, results from a C to G substitution at nucleotide position 1628. The serine at codon 543 is replaced by cysteine, an amino acid with dissimilar properties. This variant was not reported in population based cohorts in the following databases: Database of Single Nucleotide Polymorphisms (dbSNP), NHLBI Exome Sequencing Project (ESP), and 1000 Genomes Project. In the ESP, this variant was not observed in 6498 samples (12996 alleles) with coverage at this position. To date, this alteration has been detected with an allele frequency of approximately 0.001% (greater than 175000 alleles tested) in our clinical cohort. This amino acid position is not well conserved in available vertebrate species. In addition, this alteration is predicted to be tolerated by in silico analysis. Since supporting evidence is limited at this time, the clinical significance of this alteration remains unclear.

NM_004360.5(CDH1):c.1628C>G (p.Ser543Cys)

Gene: CDH1 (cadherin 1; plus strand). Cytogenetic location: 16q22.1.
Variant type: single nucleotide variant.
Coding change: c.1628C>G on transcript NM_004360.5 (MANE Select); coding-DNA position 1628, C replaced by G.
Protein change: p.Ser543Cys; replaces serine 543 with cysteine.
Molecular consequence: missense variant. On other transcripts: intron variant (1).
Genome position (GRCh38, 1-based): chr16:68,819,342, C>G. VCF-style: chr16-68819342-C-G. GRCh37 (hg19) VCF-style: chr16-68853245-C-G.
Other names: c.1628C>G (LRG_301t1); c.1445C>G, p.Ser482Cys (NM_001317184.2); c.80C>G, p.Ser27Cys (NM_001317185.2); c.-254-2659C>G (NM_001317186.2); short protein forms S543C, S27C, S482C.
Identifiers: ClinVar variation 481014 (VCV000481014.5), dbSNP rs148400889, ClinGen allele CA396465137.
Genomic context (GRCh38, chr16:68,819,342, plus strand): 5'-ATCGGATTTGGAGAGACACTGCCAACTGGCTGGAGATTAATCCGGACACTGGTGCCATTT[C>G]CACTCGGGCTGAGCTGGACAGGGAGGATTTTGAGCACGTGAAGAACAGCACGTACACAGC-3'
Protein context (NP_004351.1, residues 533-553): LEINPDTGAI[Ser543Cys]TRAELDREDF